The following is an entry in ClinVar:

NM_004341.5(CAD):c.638A>C (p.Glu213Ala)

Gene: CAD (carbamoyl-phosphate synthetase 2, aspartate transcarbamylase, and dihydroorotase; plus strand). Cytogenetic location: 2p23.3.
Variant type: single nucleotide variant.
Coding change: c.638A>C on transcript NM_004341.5 (MANE Select); coding-DNA position 638, A replaced by C.
Protein change: p.Glu213Ala; replaces glutamic acid 213 with alanine.
Molecular consequence: missense variant.
Genome position (GRCh38, 1-based): chr2:27,222,866, A>C. VCF-style: chr2-27222866-A-C. GRCh37 (hg19) VCF-style: chr2-27445734-A-C.
Other names: c.638A>C, p.Glu213Ala (NM_001306079.2); c.638A>C (NM_004341.3); short protein forms E213A.
Identifiers: ClinVar variation 1503554 (VCV001503554.6), dbSNP rs1305425105, ClinGen allele CA346200267.
Genomic context (GRCh38, chr2:27,222,866, plus strand): 5'-CAGGTGTGTCTCCTGTAATTGAAATACTGATTTTGATGTCATCTTTTCTGCCCACTCCAG[A>C]GTATGAGGGTCTCTTCTTAAGTAATGGGCCTGGTGACCCTGCCTCCTATCCCAGTGTCGT-3'
Protein context (NP_004332.2, residues 203-223): VPWDHALDSQ[Glu213Ala]YEGLFLSNGP

ClinVar aggregate classification (germline): Uncertain significance. Review status: criteria provided, multiple submitters, no conflicts (2 of 4 stars). 2 submissions from 2 submitters: Uncertain significance (2). Last evaluated 2024-02-02.

Conditions:
Inborn genetic diseases. Identifiers: MedGen C0950123, MeSH D030342.

Allele frequency attached by ClinVar (database versions not stated): gnomAD exomes below 0.00001 and 0.00001; gnomAD 0.00001; TOPMed 0.00002.
gnomAD v4.1: 4 of 1,613,672 alleles (0.00025%); highest among the groups gnomAD compares: Admixed American, 0.0033%; no homozygotes.

Submissions (2):

Ambry Genetics
Classification: Uncertain significance for Inborn genetic diseases. Last evaluated: 2024-02-02. Review status: criteria provided, single submitter. Criteria: Ambry Variant Classification Scheme 2023. Collection method: clinical testing. Allele origin: germline.

Labcorp Genetics (formerly Invitae), Labcorp
Classification: Uncertain significance. Last evaluated: 2022-08-05. Review status: criteria provided, single submitter. Criteria: Invitae Variant Classification Sherloc (09022015). Collection method: clinical testing. Allele origin: germline.
Comment: This sequence change replaces glutamic acid, which is acidic and polar, with alanine, which is neutral and non-polar, at codon 213 of the CAD protein (p.Glu213Ala). This variant is present in population databases (no rsID available, gnomAD no frequency). This variant has not been reported in the literature in individuals affected with CAD-related conditions. ClinVar contains an entry for this variant (Variation ID: 1503554). Algorithms developed to predict the effect of missense changes on protein structure and function (SIFT, PolyPhen-2, Align-GVGD) all suggest that this variant is likely to be tolerated. In summary, the available evidence is currently insufficient to determine the role of this variant in disease. Therefore, it has been classified as a Variant of Uncertain Significance.